The following is an entry in ClinVar:

NM_000044.6(AR):c.2383T>A (p.Phe795Ile)

Gene: AR (androgen receptor; plus strand). Cytogenetic location: Xq12.
Variant type: single nucleotide variant.
Coding change: c.2383T>A on transcript NM_000044.6 (MANE Select); coding-DNA position 2383, T replaced by A.
Protein change: p.Phe795Ile; replaces phenylalanine 795 with isoleucine.
Molecular consequence: missense variant.
Genome position (GRCh38, 1-based): chrX:67,721,897, T>A. VCF-style: chrX-67721897-T-A. GRCh37 (hg19) VCF-style: chrX-66941739-T-A.
Other names: c.787T>A, p.Phe263Ile (NM_001011645.3); short protein forms F263I, F795I.
Identifiers: ClinVar variation 4847281 (VCV004847281.1).

ClinVar aggregate classification (germline): Uncertain significance (1 of 4 stars; one submission).

gnomAD v4.1: 1 of 1,208,140 alleles (0.000083%); highest among the groups gnomAD compares: African/African-American, 0.0018%; no homozygotes.

Submission:

Women's Health and Genetics/Laboratory Corporation of America, LabCorp
Classification: Uncertain significance. Last evaluated: 2026-03-12. Review status: criteria provided, single submitter. Criteria: LabCorp Variant Classification Summary - May 2015. Collection method: clinical testing. Allele origin: germline.
Comment: Variant summary: AR c.2383T>A (p.Phe795Ile) results in a non-conservative amino acid change in the encoded protein sequence. Algorithms developed to predict the effect of missense changes on protein structure and function all suggest that this variant is likely to be disruptive. The variant was absent in 183233 control chromosomes. The available data on variant occurrences in the general population are insufficient to allow any conclusion about variant significance. To our knowledge, no occurrence of c.2383T>A in individuals affected with AR-related conditions and no experimental evidence demonstrating its impact on protein function have been reported. No submitters have cited clinical-significance assessments for this variant to ClinVar. Based on the evidence outlined above, the variant was classified as uncertain significance.